The following is an entry in ClinVar:

ClinVar aggregate classification (germline): Uncertain significance. Review status: criteria provided, multiple submitters, no conflicts (2 of 4 stars). 2 submissions from 2 submitters: Uncertain significance (2). Last evaluated 2026-08-05.

Conditions:
Inborn genetic diseases. Identifiers: MedGen C0950123, MeSH D030342.
Trimethylaminuria (TMAU). Also called: Fish malodor syndrome; Stale fish syndrome; TMAuria; Primary Trimethylaminuria; FISH-ODOR SYNDROME. Identifiers: MedGen C0342739, MONDO:0011182, OMIM 602079, HP:0003614. Disease mechanism: loss of function.

Allele frequency attached by ClinVar (database versions not stated): gnomAD exomes 0.00002; TOPMed 0.00003; ExAC 0.00001; gnomAD 0.00001.
gnomAD v4.1: 34 of 1,613,292 alleles (0.0021%); highest among the groups gnomAD compares: Non-Finnish European, 0.0028%; no homozygotes.

Submissions (2):

Ambry Genetics
Classification: Uncertain significance for Inborn genetic diseases. Last evaluated: 2026-08-05. Review status: criteria provided, single submitter. Criteria: Ambry Variant Classification Scheme 2023. Collection method: clinical testing. Allele origin: germline.
Comment: The c.889G>T (p.V297L) alteration is located in exon 7 (coding exon 6) of the FMO3 gene. This alteration results from a G to T substitution at nucleotide position 889, causing the valine (V) at amino acid position 297 to be replaced by a leucine (L). Based on data from gnomAD, the T allele has an overall frequency of 0.002% (6/282220) total alleles studied. The highest observed frequency was 0.005% (6/128854) of European (non-Finnish) alleles. Based on insufficient or conflicting evidence, the clinical significance of this alteration remains unclear.

Illumina Laboratory Services, Illumina
Classification: Uncertain significance for Trimethylaminuria. Last evaluated: 2018-01-13. Review status: criteria provided, single submitter. Criteria: ICSL Variant Classification Criteria 13 December 2019. Collection method: clinical testing. Allele origin: germline.

NM_001002294.3(FMO3):c.889G>T (p.Val297Leu)

Gene: FMO3 (flavin containing dimethylaniline monoxygenase 3; plus strand). Cytogenetic location: 1q24.3.
Variant type: single nucleotide variant.
Coding change: c.889G>T on transcript NM_001002294.3 (MANE Select); coding-DNA position 889, G replaced by T.
Protein change: p.Val297Leu; replaces valine 297 with leucine.
Molecular consequence: missense variant.
Genome position (GRCh38, 1-based): chr1:171,114,068, G>T. VCF-style: chr1-171114068-G-T. GRCh37 (hg19) VCF-style: chr1-171083208-G-T.
Other names: c.829G>T, p.Val277Leu (NM_001319173.2); c.700G>T, p.Val234Leu (NM_001319174.2); c.889G>T, p.Val297Leu (NM_006894.6); short protein forms V297L, V277L, V234L.
Identifiers: ClinVar variation 293692 (VCV000293692.6), dbSNP rs762874376, ClinGen allele CA1240689.
Genomic context (GRCh38, chr1:171,114,068, plus strand): 5'-GTCCTGAGGAAAGAGCCTGTATTTAACGATGAGCTCCCAGCAAGCATTCTGTGTGGCATT[G>T]TGTCCGTAAAGCCTAACGTGAAGGAATTCACAGAGACCTCGGCCATTTTTGAGGATGGGA-3'
Protein context (NP_001002294.1, residues 287-307): ELPASILCGI[Val297Leu]SVKPNVKEFT